The following is an entry in ClinVar:

NM_213599.3(ANO5):c.800C>G (p.Thr267Ser)

Gene: ANO5 (anoctamin 5; plus strand). Cytogenetic location: 11p14.3.
Variant type: single nucleotide variant.
Coding change: c.800C>G on transcript NM_213599.3 (MANE Select); coding-DNA position 800, C replaced by G.
Protein change: p.Thr267Ser; replaces threonine 267 with serine.
Molecular consequence: missense variant.
Genome position (GRCh38, 1-based): chr11:22,239,606, C>G. VCF-style: chr11-22239606-C-G. GRCh37 (hg19) VCF-style: chr11-22261152-C-G.
Other names: c.797C>G, p.Thr266Ser (NM_001142649.2); short protein forms T267S, T266S.
Identifiers: ClinVar variation 226458 (VCV000226458.29), dbSNP rs138144479, ClinGen allele CA5923035.

ClinVar aggregate classification (germline): Benign. Review status: criteria provided, multiple submitters, no conflicts (2 of 4 stars). 13 submissions from 11 submitters: Benign (13). Last evaluated 2026-08-01.

Conditions:
Gnathodiaphyseal dysplasia (GDD). Also called: GNATHODIAPHYSEAL SCLEROSIS; OSTEOGENESIS IMPERFECTA WITH UNUSUAL SKELETAL LESIONS. Identifiers: Orphanet 53697, MedGen C1833736, MONDO:0008151, OMIM 166260.
Autosomal recessive limb-girdle muscular dystrophy type 2L (LGMDR12). Also called: Limb-girdle muscular dystrophy, type 2L; MUSCULAR DYSTROPHY, LIMB-GIRDLE, AUTOSOMAL RECESSIVE 12; Limb-Girdle Muscular Dystrophy R12 Anoctamin-5-Related (LGMD-R12). Identifiers: Orphanet 206549, MedGen C1969785, MONDO:0012652, OMIM 611307.
ANO5-Related Muscle Diseases. Identifiers: MedGen CN180644.
Miyoshi muscular dystrophy 3 (MMD3). Also called: Miyoshi myopathy 3; Miyoshi Muscular Dystrophy 3 (MMD3). Identifiers: Orphanet 399096, MedGen C2750076, MONDO:0013222, OMIM 613319.

Allele frequency attached by ClinVar (database versions not stated): gnomAD exomes 0.00064 and 0.00170; ExAC 0.00199; 1000 Genomes Project 30x 0.00547; 1000 Genomes Project 0.00579; gnomAD 0.00674 and 0.00727; ESP Exome Variant Server 0.00700; TOPMed 0.00803.
gnomAD v4.1: 2,004 of 1,612,896 alleles (0.12%); highest among the groups gnomAD compares: African/African-American, 2.3%; 17 homozygotes.

Submissions (13):

CeGaT Center for Human Genetics Tuebingen
Classification: Benign. Last evaluated: 2026-08-01. Review status: criteria provided, single submitter. Criteria: CeGaT Center For Human Genetics Tuebingen Variant Classification Criteria Version 2. Collection method: clinical testing. Allele origin: germline. Affected: yes. Observed: 1 variant allele.
Comment: ANO5: BP4, BS1, BS2

Labcorp Genetics (formerly Invitae), Labcorp
Classification: Benign for Autosomal recessive limb-girdle muscular dystrophy type 2L; Gnathodiaphyseal dysplasia. Last evaluated: 2026-02-01. Review status: criteria provided, single submitter. Criteria: Invitae Variant Classification Sherloc (09022015). Collection method: clinical testing. Allele origin: germline.

ARUP Laboratories, Molecular Genetics and Genomics, ARUP Laboratories
Classification: Benign. Last evaluated: 2023-11-11. Review status: criteria provided, single submitter. Criteria: ARUP Molecular Germline Variant Investigation Process 2024. Collection method: clinical testing. Allele origin: germline.

Mayo Clinic Laboratories, Mayo Clinic
Classification: Benign. Last evaluated: 2023-08-23. Review status: criteria provided, single submitter. Criteria: ACMG Guidelines, 2015. Collection method: clinical testing. Allele origin: germline. Observed: 8 variant alleles.

Genome-Nilou Lab
Classification: Benign for Gnathodiaphyseal dysplasia. Last evaluated: 2021-12-05. Review status: criteria provided, single submitter. Criteria: ACMG Guidelines, 2015. Collection method: clinical testing. Allele origin: germline. Affected: no.

Genome-Nilou Lab
Classification: Benign for Miyoshi muscular dystrophy 3. Last evaluated: 2021-12-05. Review status: criteria provided, single submitter. Criteria: ACMG Guidelines, 2015. Collection method: clinical testing. Allele origin: germline. Affected: no.

Genome-Nilou Lab
Classification: Benign for Autosomal recessive limb-girdle muscular dystrophy type 2L. Last evaluated: 2021-12-05. Review status: criteria provided, single submitter. Criteria: ACMG Guidelines, 2015. Collection method: clinical testing. Allele origin: germline. Affected: no.

Athena Diagnostics
Classification: Benign. Last evaluated: 2017-09-30. Review status: criteria provided, single submitter. Criteria: Athena Diagnostics Criteria. Collection method: clinical testing. Allele origin: germline.

Illumina Laboratory Services, Illumina
Classification: Benign for ANO5-Related Muscle Diseases. Last evaluated: 2017-04-27. Review status: criteria provided, single submitter. Criteria: ICSL Variant Classification Criteria 13 December 2019. Collection method: clinical testing. Allele origin: germline.
Comment: This variant was observed as part of a predisposition screen in an ostensibly healthy population. A literature search was performed for the gene, cDNA change, and amino acid change (where applicable). Publications were found based on this search. The evidence from the literature, in combination with allele frequency data from public databases where available, was sufficient to rule this variant out of causing disease. Therefore, this variant is classified as benign.

GeneDx
Classification: Benign. Last evaluated: 2017-01-05. Review status: criteria provided, single submitter. Criteria: GeneDx Variant Classification (06012015). Collection method: clinical testing. Allele origin: germline. Affected: yes.
Comment: This variant is considered likely benign or benign based on one or more of the following criteria: it is a conservative change, it occurs at a poorly conserved position in the protein, it is predicted to be benign by multiple in silico algorithms, and/or has population frequency not consistent with disease.

Eurofins Ntd Llc (ga)
Classification: Benign. Last evaluated: 2015-12-11. Review status: criteria provided, single submitter. Criteria: EGL Classification Definitions 2015. Collection method: clinical testing. Allele origin: germline. Observed: 1 variant allele, 1 heterozygote.

Laboratory for Molecular Medicine, Mass General Brigham Personalized Medicine
Classification: Benign. Last evaluated: 2014-11-24. Review status: criteria provided, single submitter. Criteria: LMM Criteria. Collection method: clinical testing. Allele origin: germline. Observed: 1 variant allele.
Comment: Thr267Ser in exon 9 of ANO5: This variant is not expected to have clinical signi ficance because it has been identified in 2.1% (91/4406) of African American chr omosomes from a broad population by the NHLBI Exome Sequencing Project (dbSNP rs138144479).

Breakthrough Genomics
Classification: Benign. Review status: criteria provided, single submitter. Criteria: ACMG Guidelines, 2015. Collection method: not provided. Allele origin: germline. Inheritance: Autosomal recessive inheritance. Affected: yes.

Literature cited by the submitters: PubMed 25891276 (cited by Athena Diagnostics and Illumina Laboratory Services, Illumina).